The following is an entry in ClinVar:

ClinVar aggregate classification (germline): Conflicting classifications of pathogenicity. Review status: criteria provided, conflicting classifications (1 of 4 stars). 4 submissions from 4 submitters: Uncertain significance (3); Likely benign (1). Last evaluated 2025-12-10.

Allele frequency attached by ClinVar (database versions not stated): gnomAD exomes 0.00013 and 0.00047; ExAC 0.00061; gnomAD 0.00153 and 0.00158; TOPMed 0.00172; ESP Exome Variant Server 0.00185; 1000 Genomes Project 0.00200; 1000 Genomes Project 30x 0.00219.
gnomAD v4.1: 435 of 1,614,144 alleles (0.027%); highest among the groups gnomAD compares: African/African-American, 0.47%; 2 homozygotes.

Submissions (4):

Labcorp Genetics (formerly Invitae), Labcorp
Classification: Likely benign. Last evaluated: 2025-12-10. Review status: criteria provided, single submitter. Criteria: Invitae Variant Classification Sherloc (09022015). Collection method: clinical testing. Allele origin: germline.

Ambry Genetics
Classification: Uncertain significance. Last evaluated: 2025-08-03. Review status: criteria provided, single submitter. Criteria: Ambry Variant Classification Scheme 2023. Collection method: clinical testing. Allele origin: germline.

Women's Health and Genetics/Laboratory Corporation of America, LabCorp
Classification: Uncertain significance. Last evaluated: 2024-12-03. Review status: criteria provided, single submitter. Criteria: LabCorp Variant Classification Summary - May 2015. Collection method: clinical testing. Allele origin: germline.
Comment: Variant summary: ARHGEF10 c.1631A>T (p.Gln544Leu) results in a non-conservative amino acid change located in the DBL homology domain (DH-domain) (IPR035899) of the encoded protein sequence. Four of five in-silico tools predict a damaging effect of the variant on protein function. The variant allele was found at a frequency of 0.00047 in 251370 control chromosomes. This frequency is not significantly higher than estimated for a pathogenic variant in ARHGEF10 causing Autosomal dominant slowed nerve conduction velocity, allowing no conclusion about variant significance. To our knowledge, no occurrence of c.1631A>T in individuals affected with Autosomal dominant slowed nerve conduction velocity and no experimental evidence demonstrating its impact on protein function have been reported. ClinVar contains an entry for this variant (Variation ID: 708484). Based on the evidence outlined above, the variant was classified as uncertain significance.

Mayo Clinic Laboratories, Mayo Clinic
Classification: Uncertain significance. Last evaluated: 2019-07-15. Review status: criteria provided, single submitter. Criteria: ACMG Guidelines, 2015. Collection method: clinical testing. Allele origin: germline. Observed: 1 variant allele.

NM_014629.4(ARHGEF10):c.1631A>T (p.Gln544Leu)

Gene: ARHGEF10 (Rho guanine nucleotide exchange factor 10; plus strand). Cytogenetic location: 8p23.3.
Variant type: single nucleotide variant.
Coding change: c.1631A>T on transcript NM_014629.4 (MANE Select); coding-DNA position 1631, A replaced by T.
Protein change: p.Gln544Leu; replaces glutamine 544 with leucine.
Molecular consequence: missense variant.
Genome position (GRCh38, 1-based): chr8:1,898,506, A>T. VCF-style: chr8-1898506-A-T. GRCh37 (hg19) VCF-style: chr8-1846672-A-T.
Other names: c.1517A>T, p.Gln506Leu (NM_001308152.2); c.1631A>T, p.Gln544Leu (NM_001308153.3); short protein forms Q506L, Q544L, Q568L.
Identifiers: ClinVar variation 708484 (VCV000708484.15), dbSNP rs148715187, ClinGen allele CA4600474.